The following is an entry in ClinVar:

ClinVar aggregate classification (germline): Likely benign (0 of 4 stars; one submission).

Conditions:
RMI1-related disorder. Also called: RMI1-related condition.

Allele frequency attached by ClinVar (database versions not stated): 1000 Genomes Project 30x 0.00187; 1000 Genomes Project 0.00200; TOPMed 0.00348; ESP Exome Variant Server 0.00361.
gnomAD v4.1: 7,327 of 1,614,104 alleles (0.45%); highest among the groups gnomAD compares: Non-Finnish European, 0.56%; 26 homozygotes.

Submission:

PreventionGenetics, part of Exact Sciences
Classification: Likely benign for RMI1-related condition. Last evaluated: 2019-08-27. Review status: no assertion criteria provided. Collection method: clinical testing. Allele origin: germline.
Comment: This variant is classified as likely benign based on ACMG/AMP sequence variant interpretation guidelines (Richards et al. 2015 PMID: 25741868, with internal and published modifications).

NM_001358291.2(RMI1):c.1000A>G (p.Lys334Glu)

Gene: RMI1 (RecQ mediated genome instability 1; plus strand). Cytogenetic location: 9q21.32.
Variant type: single nucleotide variant.
Coding change: c.1000A>G on transcript NM_001358291.2 (MANE Select); coding-DNA position 1000, A replaced by G.
Protein change: p.Lys334Glu; replaces lysine 334 with glutamic acid.
Molecular consequence: missense variant.
Genome position (GRCh38, 1-based): chr9:84,001,986, A>G. VCF-style: chr9-84001986-A-G. GRCh37 (hg19) VCF-style: chr9-86616901-A-G.
Other names: c.1000A>G, p.Lys334Glu (NM_001358292.2, NM_001358293.2, NM_001358294.2 and 1 more transcripts); short protein forms K334E.
Identifiers: ClinVar variation 3043427 (VCV003043427.2), dbSNP rs112455581, ClinGen allele CA5104526.
Genomic context (GRCh38, chr9:84,001,986, plus strand): 5'-TTTTCACTGGAGGAGGCCTTGCTTTTAGAAGAAACTGTCCAGAAAGAACAGATGGAAACT[A>G]AGGAATTGCAACCATTGACTTTTAACAGAAATGCCGATCGAAGTATAGAGAGATTTTCAC-3'
Protein context (NP_001345220.1, residues 324-344): ETVQKEQMET[Lys334Glu]ELQPLTFNRN